The following is an entry in ClinVar:

ClinVar aggregate classification (germline): Pathogenic (1 of 4 stars; one submission).
ClinVar aggregate classification (somatic clinical impact): Tier I - Strong (1 of 4 stars; one submission).

Conditions:
Neurofibromatosis, type 1 (NF1). Also called: NEUROFIBROMATOSIS, TYPE I, SOMATIC; Neurofibromatosis, type I; Peripheral type neurofibromatosis; VON RECKLINGHAUSEN DISEASE. Identifiers: Orphanet 636, MedGen C0027831, MONDO:0018975, OMIM 162200. Disease mechanism: loss of function.
Rosette-forming glioneuronal tumor. Identifiers: Orphanet 251975, MedGen C4331262, MONDO:0016736, HP:0025171.

Submissions (2):

Institute for Genomic Medicine (IGM) Clinical Laboratory, Nationwide Children's Hospital
Classification: Tier I - Strong for Rosette-forming glioneuronal tumor. Assertion type: diagnostic. Clinical significance: supports diagnosis. Last evaluated: 2025-06-16. Review status: criteria provided, single submitter. Criteria: AMP/ASCO/CAP Guidelines, 2017. Collection method: clinical testing. Allele origin: somatic. Affected: yes.
Comment: Variant has Tier I (strong) clinical significance as a diagnostic inclusion criterion in rosette-forming glioneuronal tumor of fourth ventricule, based on the following evidence: 1) Documented in one or more cancer databases (e.g., St. Jude Pecan, COSMIC, CIViC, OncoKB). 2) Appears in one or more well-established professional guidelines (e.g., World Health Organization [WHO]; National Comprehensive Cancer Network [NCCN]) as providing diagnostic, prognostic, or therapeutic information. 3) Information in the literature supports potential biologic effect of variant (PMIDs: 19573811, 24576830, 8563751, 7542586, 8052307, 12509763). 4) Diagnostic for a specific tumor type/classification according to professional guidelines (Evidence Level A; PMIDs: 31250151, 32859279, 35293634).

Labcorp Genetics (formerly Invitae), Labcorp
Classification: Pathogenic for Neurofibromatosis, type 1. Last evaluated: 2022-01-22. Review status: criteria provided, single submitter. Criteria: Invitae Variant Classification Sherloc (09022015). Collection method: clinical testing. Allele origin: germline.
Comment: This variant has not been reported in the literature in individuals affected with NF1-related conditions. This variant is not present in population databases (gnomAD no frequency). This sequence change creates a premature translational stop signal (p.Leu1420*) in the NF1 gene. It is expected to result in an absent or disrupted protein product. Loss-of-function variants in NF1 are known to be pathogenic (PMID: 10712197, 23913538). For these reasons, this variant has been classified as Pathogenic.

Literature cited by the submitters: PubMed 19573811 (cited by Institute for Genomic Medicine (IGM) Clinical Laboratory, Nationwide Children's Hospital); PubMed 24576830 (cited by Institute for Genomic Medicine (IGM) Clinical Laboratory, Nationwide Children's Hospital); PubMed 8563751 (cited by Institute for Genomic Medicine (IGM) Clinical Laboratory, Nationwide Children's Hospital); PubMed 7542586 (cited by Institute for Genomic Medicine (IGM) Clinical Laboratory, Nationwide Children's Hospital); PubMed 8052307 (cited by Institute for Genomic Medicine (IGM) Clinical Laboratory, Nationwide Children's Hospital); PubMed 12509763 (cited by Institute for Genomic Medicine (IGM) Clinical Laboratory, Nationwide Children's Hospital); PubMed 31250151 (cited by Institute for Genomic Medicine (IGM) Clinical Laboratory, Nationwide Children's Hospital); PubMed 32859279 (cited by Institute for Genomic Medicine (IGM) Clinical Laboratory, Nationwide Children's Hospital); PubMed 35293634 (cited by Institute for Genomic Medicine (IGM) Clinical Laboratory, Nationwide Children's Hospital); PubMed 10712197 (cited by Labcorp Genetics (formerly Invitae), Labcorp); PubMed 23913538 (cited by Labcorp Genetics (formerly Invitae), Labcorp).

NM_001042492.3(NF1):c.4322T>G (p.Leu1441Ter)

Gene: NF1 (neurofibromin 1; plus strand). Cytogenetic location: 17q11.2.
Variant type: single nucleotide variant.
Coding change: c.4322T>G on transcript NM_001042492.3 (MANE Select); coding-DNA position 4322, T replaced by G.
Protein change: p.Leu1441Ter; replaces leucine 1441 with a stop codon.
Molecular consequence: nonsense.
Genome position (GRCh38, 1-based): chr17:31,258,492, T>G. VCF-style: chr17-31258492-T-G. GRCh37 (hg19) VCF-style: chr17-29585510-T-G.
Other names: c.4259T>G, p.Leu1420Ter (NM_000267.4); short protein forms L1420*, L1441*.
Identifiers: ClinVar variation 2089063 (VCV002089063.5), dbSNP rs2151462189, ClinGen allele CA398998144.
Genomic context (GRCh38, chr17:31,258,492, plus strand): 5'-CGTATGAAGCAGGGATTTTAGATAAAAAGCCACCACCTAGAATCGAAAGGGGCTTGAAGT[T>G]AATGTCAAAGGTGAATTATTTTGATAATCTAGCTATCTTAAATTCCCCTTCCAACTAAAT-3'